The following is an entry in ClinVar:

NM_013261.5(PPARGC1A):c.758-7del

Gene: PPARGC1A (PPARG coactivator 1 alpha; minus strand). Cytogenetic location: 4p15.2.
Variant type: Deletion.
Coding change: c.758-7del on transcript NM_013261.5 (MANE Select); 7 bases into the intron before coding-DNA position 758, one base deleted (T; older notation c.758-7delT).
Molecular consequence: intron variant.
Genome position (GRCh38, 1-based): chr4:23,824,515, A deleted on the plus strand (T on the coding strand, the reverse complement: PPARGC1A is on the minus strand); the first of 10 consecutive A bases (chr4:23,824,515-23,824,524); deleting any one gives the same sequence. VCF-style (leftmost placement, unchanged base first): chr4-23824514-GA-G. GRCh37 (hg19) VCF-style: chr4-23826137-GA-G.
Other names: c.773-7del (NM_001354827.2, NM_001354825.2, NM_001330751.2); c.722-7del (NM_001330752.2); c.377-7del (NM_001354826.2, NM_001330753.2).
Identifiers: ClinVar variation 3035609 (VCV003035609.2), dbSNP rs541724886, ClinGen allele CA2875430.

ClinVar aggregate classification (germline): Likely benign (0 of 4 stars; one submission).

Conditions:
PPARGC1A-related disorder. Also called: PPARGC1A-related condition.

Submission:

PreventionGenetics, part of Exact Sciences
Classification: Likely benign for PPARGC1A-related condition. Last evaluated: 2019-10-28. Review status: no assertion criteria provided. Collection method: clinical testing. Allele origin: germline.
Comment: This variant is classified as likely benign based on ACMG/AMP sequence variant interpretation guidelines (Richards et al. 2015 PMID: 25741868, with internal and published modifications).